The following is an entry in ClinVar:

NM_006488.3(KHK):c.210-328A>G

Gene: KHK (ketohexokinase; plus strand). Cytogenetic location: 2p23.3.
Variant type: single nucleotide variant.
Coding change: c.210-328A>G on transcript NM_006488.3 (MANE Select); 328 bases into the intron before coding-DNA position 210, A replaced by G.
Molecular consequence: intron variant.
Genome position (GRCh38, 1-based): chr2:27,094,472, A>G. VCF-style: chr2-27094472-A-G. GRCh37 (hg19) VCF-style: chr2-27317340-A-G.
Other names: c.210-5A>G (NM_000221.3).
Identifiers: ClinVar variation 335485 (VCV000335485.6), dbSNP rs74537742, ClinGen allele CA1569148.

ClinVar aggregate classification (germline): Benign. Review status: criteria provided, multiple submitters, no conflicts (2 of 4 stars). 2 submissions from 2 submitters: Benign (2). Last evaluated 2018-01-13.

Conditions:
Essential fructosuria. Also called: HEPATIC FRUCTOKINASE DEFICIENCY; KETOHEXOKINASE DEFICIENCY. Identifiers: Orphanet 2056, MedGen C0268160, MONDO:0009252, OMIM 229800.

Allele frequency attached by ClinVar (database versions not stated): gnomAD exomes 0.00532 and 0.01452; 1000 Genomes Project 0.06130; 1000 Genomes Project 30x 0.06918; gnomAD 0.06212 and 0.05781; TOPMed 0.06579; ExAC 0.01829; ESP Exome Variant Server 0.06812.
gnomAD v4.1: 16,935 of 1,613,080 alleles (1%); highest among the groups gnomAD compares: African/African-American, 20%; 1,521 homozygotes.

Submissions (2):

Illumina Laboratory Services, Illumina
Classification: Benign for Essential fructosuria. Last evaluated: 2018-01-13. Review status: criteria provided, single submitter. Criteria: ICSL Variant Classification Criteria 13 December 2019. Collection method: clinical testing. Allele origin: germline.
Comment: This variant was observed in the ICSL laboratory as part of a predisposition screen in an ostensibly healthy population. It had not been previously curated by ICSL or reported in the Human Gene Mutation Database (HGMD: prior to June 1st, 2018), and was therefore a candidate for classification through an automated scoring system. Utilizing variant allele frequency, disease prevalence and penetrance estimates, and inheritance mode, an automated score was calculated to assess if this variant is too frequent to cause the disease. Based on the score and internal cut-off values, a variant classified as benign is not then subjected to further curation. The score for this variant resulted in a classification of benign for this disease.

Breakthrough Genomics
Classification: Benign. Review status: criteria provided, single submitter. Criteria: ACMG Guidelines, 2015. Collection method: not provided. Allele origin: germline. Inheritance: Autosomal recessive inheritance. Affected: yes.